The following is an entry in ClinVar:

NM_004304.5(ALK):c.1739T>A (p.Met580Lys)

Gene: ALK (ALK receptor tyrosine kinase; minus strand). Cytogenetic location: 2p23.2.
Variant type: single nucleotide variant.
Coding change: c.1739T>A on transcript NM_004304.5 (MANE Select); coding-DNA position 1739, T replaced by A.
Protein change: p.Met580Lys; replaces methionine 580 with lysine.
Molecular consequence: missense variant.
Genome position (GRCh38, 1-based): chr2:29,296,966, A>T on the plus strand (T>A on the coding strand, the complement: ALK is on the minus strand). VCF-style: chr2-29296966-A-T. GRCh37 (hg19) VCF-style: chr2-29519832-A-T.
Other names: short protein forms M580K.
Identifiers: ClinVar variation 2586688 (VCV002586688.2), dbSNP rs776805270, ClinGen allele CA1594548.

ClinVar aggregate classification (germline): Uncertain significance (1 of 4 stars; one submission).

Conditions:
Hereditary cancer-predisposing syndrome. Also called: Hereditary neoplastic syndrome; Tumor predisposition; Hereditary Cancer Syndrome; Neoplastic Syndromes, Hereditary. Identifiers: Orphanet 140162, MedGen C0027672, MeSH D009386, MONDO:0015356.

Allele frequency attached by ClinVar (database versions not stated): ExAC 0.00001; gnomAD 0.00001.
gnomAD v4.1: 1 of 1,614,088 alleles (0.000062%); highest among the groups gnomAD compares: Non-Finnish European, 0.000085%; no homozygotes.

Submission:

Ambry Genetics
Classification: Uncertain significance for Hereditary cancer-predisposing syndrome. Last evaluated: 2023-07-23. Review status: criteria provided, single submitter. Criteria: Ambry Variant Classification Scheme 2023. Collection method: clinical testing. Allele origin: germline.
Comment: The p.M580K variant (also known as c.1739T>A), located in coding exon 9 of the ALK gene, results from a T to A substitution at nucleotide position 1739. The methionine at codon 580 is replaced by lysine, an amino acid with similar properties. This amino acid position is conserved. In addition, this alteration is predicted to be tolerated by in silico analysis. Since supporting evidence is limited at this time, the clinical significance of this alteration remains unclear.